The following is an entry in ClinVar:

ClinVar aggregate classification (germline): Uncertain significance. Review status: criteria provided, multiple submitters, no conflicts (2 of 4 stars). 2 submissions from 2 submitters: Uncertain significance (2). Last evaluated 2024-05-21.

Submissions (2):

Ambry Genetics
Classification: Uncertain significance. Last evaluated: 2024-05-21. Review status: criteria provided, single submitter. Criteria: Ambry Variant Classification Scheme 2023. Collection method: clinical testing. Allele origin: germline.

Labcorp Genetics (formerly Invitae), Labcorp
Classification: Uncertain significance. Last evaluated: 2022-07-30. Review status: criteria provided, single submitter. Criteria: Invitae Variant Classification Sherloc (09022015). Collection method: clinical testing. Allele origin: germline.
Comment: This variant has not been reported in the literature in individuals affected with A2ML1-related conditions. Algorithms developed to predict the effect of missense changes on protein structure and function (SIFT, PolyPhen-2, Align-GVGD) all suggest that this variant is likely to be tolerated. In summary, the available evidence is currently insufficient to determine the role of this variant in disease. Therefore, it has been classified as a Variant of Uncertain Significance. This sequence change replaces serine, which is neutral and polar, with threonine, which is neutral and polar, at codon 673 of the A2ML1 protein (p.Ser673Thr). This variant is not present in population databases (gnomAD no frequency).

NM_144670.6(A2ML1):c.2018G>C (p.Ser673Thr)

Gene: A2ML1 (alpha-2-macroglobulin like 1; plus strand). Cytogenetic location: 12p13.31.
Variant type: single nucleotide variant.
Coding change: c.2018G>C on transcript NM_144670.6 (MANE Select); coding-DNA position 2018, G replaced by C.
Protein change: p.Ser673Thr; replaces serine 673 with threonine.
Molecular consequence: missense variant.
Genome position (GRCh38, 1-based): chr12:8,848,904, G>C. VCF-style: chr12-8848904-G-C. GRCh37 (hg19) VCF-style: chr12-9001500-G-C.
Other names: c.545G>C, p.Ser182Thr (NM_001282424.3); c.2018G>C (NM_144670.3); short protein forms S673T, S182T.
Identifiers: ClinVar variation 2065655 (VCV002065655.5), dbSNP rs2539246847, ClinGen allele CA383831195.